The following is an entry in ClinVar:

NM_003978.5(PSTPIP1):c.756_757delinsTG (p.Arg253Gly)

Gene: PSTPIP1 (proline-serine-threonine phosphatase interacting protein 1; plus strand). Cytogenetic location: 15q24.3.
Variant type: Indel.
Coding change: c.756_757delinsTG on transcript NM_003978.5 (MANE Select); coding-DNA positions 756 to 757, GC replaced by TG.
Protein change: p.Arg253Gly; replaces arginine 253 with glycine.
Molecular consequence: missense variant.
Genome position (GRCh38, 1-based): chr15:77,032,312-77,032,313, GC replaced by TG. VCF-style: chr15-77032312-GC-TG. GRCh37 (hg19) VCF-style: chr15-77324653-GC-TG.
Other names: c.756_757delinsTG, p.Arg253Gly (NM_001321135.2, NM_001411086.1); c.729_730delinsTG, p.Arg244Gly (NM_001321136.2); c.951_952delinsTG, p.Arg318Gly (NM_001321137.1); short protein forms R253G, R318G, R244G.
Identifiers: ClinVar variation 3658014 (VCV003658014.2).

ClinVar aggregate classification (germline): Uncertain significance (1 of 4 stars; one submission).

Conditions:
Pyogenic arthritis-pyoderma gangrenosum-acne syndrome (PAPA). Also called: PAPA SYNDROME; FAMILIAL RECURRENT ARTHRITIS. Identifiers: Orphanet 69126, MedGen C1858361, MONDO:0011462, OMIM 604416.

Submission:

Labcorp Genetics (formerly Invitae), Labcorp
Classification: Uncertain significance for Pyogenic arthritis-pyoderma gangrenosum-acne syndrome. Last evaluated: 2024-09-18. Review status: criteria provided, single submitter. Criteria: Invitae Variant Classification Sherloc (09022015). Collection method: clinical testing. Allele origin: germline.
Comment: This sequence change replaces arginine, which is basic and polar, with glycine, which is neutral and non-polar, at codon 253 of the PSTPIP1 protein (p.Arg253Gly). Information on the frequency of this variant in the gnomAD database is not available, as this variant may be reported differently in the database. This variant has not been reported in the literature in individuals affected with PSTPIP1-related conditions. Experimental studies and prediction algorithms are not available or were not evaluated, and the functional significance of this variant is currently unknown. In summary, the available evidence is currently insufficient to determine the role of this variant in disease. Therefore, it has been classified as a Variant of Uncertain Significance.